The following is an entry in ClinVar:

ClinVar aggregate classification (germline): Likely benign. Review status: criteria provided, multiple submitters, no conflicts (2 of 4 stars). 5 submissions from 5 submitters: Likely benign (4). 1 of the submissions does not count toward it. Last evaluated 2026-02-04.

Conditions:
Cohen syndrome (COH1). Also called: Cutis verticis gyrata, retinitis pigmentosa, and sensorineural deafness; PEPPER SYNDROME. Identifiers: Orphanet 193, MedGen C0265223, MONDO:0008999, OMIM 216550.
VPS13B-related disorder. Also called: VPS13B-related condition.
Inborn genetic diseases. Identifiers: MedGen C0950123, MeSH D030342.

Allele frequency attached by ClinVar (database versions not stated): gnomAD exomes 0.00001; ExAC 0.00002; gnomAD 0.00011 and 0.00013; 1000 Genomes Project 0.00020; TOPMed 0.00022; 1000 Genomes Project 30x 0.00031.
gnomAD v4.1: 26 of 1,613,290 alleles (0.0016%); highest among the groups gnomAD compares: Admixed American, 0.028%; no homozygotes.

Submissions (5):

Labcorp Genetics (formerly Invitae), Labcorp
Classification: Likely benign for Cohen syndrome. Last evaluated: 2026-02-04. Review status: criteria provided, single submitter. Criteria: Invitae Variant Classification Sherloc (09022015). Collection method: clinical testing. Allele origin: germline.

Mayo Clinic Laboratories, Mayo Clinic
Classification: Likely benign. Last evaluated: 2024-10-15. Review status: criteria provided, single submitter. Criteria: ACMG Guidelines, 2015. Collection method: clinical testing. Allele origin: germline. Observed: 2 variant alleles.
Comment: BP4, BP7

Blueprint Genetics
Classification: Likely benign. Last evaluated: 2024-07-24. Review status: criteria provided, single submitter. Criteria: ACMG Guidelines, 2015. Collection method: clinical testing. Allele origin: germline.

Ambry Genetics
Classification: Likely benign for Inborn genetic diseases. Last evaluated: 2016-10-27. Review status: criteria provided, single submitter. Criteria: Ambry Variant Classification Scheme 2023. Collection method: clinical testing. Allele origin: germline.

PreventionGenetics, part of Exact Sciences
Classification: Likely benign for VPS13B-related condition. Last evaluated: 2021-06-29. Review status: no assertion criteria provided. Collection method: clinical testing. Allele origin: germline. Not counted in ClinVar's aggregate classification.
Comment: This variant is classified as likely benign based on ACMG/AMP sequence variant interpretation guidelines (Richards et al. 2015 PMID: 25741868, with internal and published modifications).

NM_152564.5(VPS13B):c.1551A>C (p.Ser517=)

Gene: VPS13B (vacuolar protein sorting 13 homolog B; plus strand). Cytogenetic location: 8q22.2.
Variant type: single nucleotide variant.
Coding change: c.1551A>C on transcript NM_152564.5 (MANE Select); coding-DNA position 1551, A replaced by C.
Protein change: p.Ser517=; no amino-acid change (serine 517 retained).
Molecular consequence: synonymous variant.
Genome position (GRCh38, 1-based): chr8:99,135,721, A>C. VCF-style: chr8-99135721-A-C. GRCh37 (hg19) VCF-style: chr8-100147949-A-C.
Other names: p.Ser517=; c.1551A>C, p.Ser517= (NM_015243.3, NM_017890.5); c.1551A>C (NM_152564.4).
Identifiers: ClinVar variation 589441 (VCV000589441.58), dbSNP rs200635121, ClinGen allele CA4822651.